The following is an entry in ClinVar:

NM_000170.3(GLDC):c.1206T>A (p.His402Gln)

Gene: GLDC (glycine decarboxylase; minus strand). Cytogenetic location: 9p24.1.
Variant type: single nucleotide variant.
Coding change: c.1206T>A on transcript NM_000170.3 (MANE Select); coding-DNA position 1206, T replaced by A.
Protein change: p.His402Gln; replaces histidine 402 with glutamine.
Molecular consequence: missense variant.
Genome position (GRCh38, 1-based): chr9:6,595,069, A>T on the plus strand (T>A on the coding strand, the complement: GLDC is on the minus strand). VCF-style: chr9-6595069-A-T. GRCh37 (hg19) VCF-style: chr9-6595069-A-T.
Other names: short protein forms H402Q.
Identifiers: ClinVar variation 1345985 (VCV001345985.8), dbSNP rs776207334, ClinGen allele CA4980807.

ClinVar aggregate classification (germline): Uncertain significance (1 of 4 stars; one submission).

Conditions:
Glycine encephalopathy. Also called: Non-ketotic hyperglycinemia; Nonketotic hyperglycinemia. Identifiers: Orphanet 407, MedGen C0751748, MONDO:0011612, HP:0008288.

Allele frequency attached by ClinVar (database versions not stated): gnomAD exomes below 0.00001; ExAC 0.00001.

Submission:

Labcorp Genetics (formerly Invitae), Labcorp
Classification: Uncertain significance for Glycine encephalopathy. Last evaluated: 2021-04-16. Review status: criteria provided, single submitter. Criteria: Invitae Variant Classification Sherloc (09022015). Collection method: clinical testing. Allele origin: germline.
Comment: In summary, the available evidence is currently insufficient to determine the role of this variant in disease. Therefore, it has been classified as a Variant of Uncertain Significance. Algorithms developed to predict the effect of sequence changes on RNA splicing suggest that this variant may create or strengthen a splice site, but this prediction has not been confirmed by published transcriptional studies. Advanced modeling of protein sequence and biophysical properties (such as structural, functional, and spatial information, amino acid conservation, physicochemical variation, residue mobility, and thermodynamic stability) performed at Invitae indicates that this missense variant is not expected to disrupt GLDC protein function. This variant has not been reported in the literature in individuals with GLDC-related conditions. This variant is present in population databases (rs776207334, ExAC 0.001%). This sequence change replaces histidine with glutamine at codon 402 of the GLDC protein (p.His402Gln). The histidine residue is weakly conserved and there is a small physicochemical difference between histidine and glutamine.